The following is an entry in ClinVar:

NM_006230.4(POLD2):c.-80T>C

Gene: POLD2 (DNA polymerase delta 2, accessory subunit; minus strand). Cytogenetic location: 7p13.
Variant type: single nucleotide variant.
Coding change: c.-80T>C on transcript NM_006230.4 (MANE Select); 80 bases upstream of the start codon, T replaced by C.
Molecular consequence: 5 prime UTR variant.
Genome position (GRCh38, 1-based): chr7:44,123,534, A>G on the plus strand (T>C on the coding strand, the complement: POLD2 is on the minus strand). VCF-style: chr7-44123534-A-G. GRCh37 (hg19) VCF-style: chr7-44163133-A-G.
Other names: c.-253T>C (NM_001127218.3); c.-676T>C (NM_001256879.2).
Identifiers: ClinVar variation 2876256 (VCV002876256.3), dbSNP rs896632211, ClinGen allele CA157894779.
Genomic context (GRCh38, chr7:44,123,534, plus strand): 5'-ACCCCCAGCTGACCCCGTTTCCCTGGACCCCACTCACCGCGCGGCGCGCCGCATCCCGCC[A>G]ATCCCCGCGCGCCTGCCCCGCCCATCGCCGCAACTCGCTAATCCCCGCGCGGCTTCCCCG-3'

ClinVar aggregate classification (germline): Uncertain significance (1 of 4 stars; one submission).

Allele frequency attached by ClinVar (database versions not stated): gnomAD exomes 0.00001.
gnomAD v4.1: 17 of 1,487,526 alleles (0.0011%); highest among the groups gnomAD compares: Non-Finnish European, 0.0015%; no homozygotes.

Submission:

Labcorp Genetics (formerly Invitae), Labcorp
Classification: Uncertain significance. Last evaluated: 2025-02-08. Review status: criteria provided, single submitter. Criteria: Invitae Variant Classification Sherloc (09022015). Collection method: clinical testing. Allele origin: germline.
Comment: This sequence change replaces leucine, which is neutral and non-polar, with serine, which is neutral and polar, at codon 9 of the POLD2 protein (p.Leu9Ser). This variant is not present in population databases (gnomAD no frequency). This variant has not been reported in the literature in individuals affected with POLD2-related conditions. ClinVar contains an entry for this variant (Variation ID: 2876256). Experimental studies and prediction algorithms are not available or were not evaluated, and the functional significance of this variant is currently unknown. In summary, the available evidence is currently insufficient to determine the role of this variant in disease. Therefore, it has been classified as a Variant of Uncertain Significance.